The following is an entry in ClinVar:

ClinVar aggregate classification (germline): Likely benign. Review status: criteria provided, multiple submitters, no conflicts (2 of 4 stars). 2 submissions from 2 submitters: Likely benign (2). Last evaluated 2024-12-17.

Allele frequency attached by ClinVar (database versions not stated): gnomAD exomes below 0.00001; ExAC 0.00002; ESP Exome Variant Server 0.00008; gnomAD 0.00009; TOPMed 0.00009; 1000 Genomes Project 30x 0.00016; 1000 Genomes Project 0.00020.
gnomAD v4.1: 19 of 1,614,162 alleles (0.0012%); highest among the groups gnomAD compares: African/African-American, 0.021%; no homozygotes.

Submissions (2):

Labcorp Genetics (formerly Invitae), Labcorp
Classification: Likely benign. Last evaluated: 2024-12-17. Review status: criteria provided, single submitter. Criteria: Invitae Variant Classification Sherloc (09022015). Collection method: clinical testing. Allele origin: germline.

CeGaT Center for Human Genetics Tuebingen
Classification: Likely benign. Last evaluated: 2024-08-01. Review status: criteria provided, single submitter. Criteria: CeGaT Center For Human Genetics Tuebingen Variant Classification Criteria Version 2. Collection method: clinical testing. Allele origin: germline. Affected: yes. Observed: 1 variant allele.
Comment: DGUOK: BP4, BP7

NM_080916.3(DGUOK):c.627G>A (p.Glu209=)

Gene: DGUOK (deoxyguanosine kinase; plus strand). Cytogenetic location: 2p13.1.
Variant type: single nucleotide variant.
Coding change: c.627G>A on transcript NM_080916.3 (MANE Select); coding-DNA position 627, G replaced by A.
Protein change: p.Glu209=; no amino-acid change (glutamic acid 209 retained).
Molecular consequence: synonymous variant. On other transcripts: non-coding transcript variant (1), intron variant (2).
Genome position (GRCh38, 1-based): chr2:73,957,160, G>A. VCF-style: chr2-73957160-G-A. GRCh37 (hg19) VCF-style: chr2-74184287-G-A.
Other names: c.336G>A, p.Glu112= (NM_001318860.2, NM_001318861.2); c.318G>A, p.Glu106= (NM_001318862.2, NM_001318863.2); c.444-986G>A (NM_080918.3); c.426-986G>A (NM_001318859.2).
Identifiers: ClinVar variation 2414093 (VCV002414093.23), dbSNP rs138703428, ClinGen allele CA1718310.
Genomic context (GRCh38, chr2:73,957,160, plus strand): 5'-TCAGGGCTTGGGGACTGTCTTTTAGGTTTGTTTGAAGAGACTGTACCAGAGGGCCAGGGA[G>A]GAGGAGAAAGGAATTGAGCTGGCCTATCTAGAGCAGCTGCATGGCCAACACGAAGCCTGG-3'
Protein context (NP_550438.1, residues 199-219): CLKRLYQRAR[Glu209=]EEKGIELAYL